The following is an entry in ClinVar:

ClinVar aggregate classification (germline): Uncertain significance (1 of 4 stars; one submission).

Submission:

Labcorp Genetics (formerly Invitae), Labcorp
Classification: Uncertain significance. Last evaluated: 2022-03-05. Review status: criteria provided, single submitter. Criteria: Invitae Variant Classification Sherloc (09022015). Collection method: clinical testing. Allele origin: germline.
Comment: This sequence change replaces glutamine, which is neutral and polar, with lysine, which is basic and polar, at codon 199 of the LTBP4 protein (p.Gln199Lys). This variant is not present in population databases (gnomAD no frequency). This variant has not been reported in the literature in individuals affected with LTBP4-related conditions. Experimental studies and prediction algorithms are not available or were not evaluated, and the functional significance of this variant is currently unknown. In summary, the available evidence is currently insufficient to determine the role of this variant in disease. Therefore, it has been classified as a Variant of Uncertain Significance.

NM_001042545.2(LTBP4):c.505C>A (p.Gln169Lys)

Gene: LTBP4 (latent transforming growth factor beta binding protein 4; plus strand). Cytogenetic location: 19q13.2.
Variant type: single nucleotide variant.
Coding change: c.505C>A on transcript NM_001042545.2 (MANE Select); coding-DNA position 505, C replaced by A.
Protein change: p.Gln169Lys; replaces glutamine 169 with lysine.
Molecular consequence: missense variant.
Genome position (GRCh38, 1-based): chr19:40,605,467, C>A. VCF-style: chr19-40605467-C-A. GRCh37 (hg19) VCF-style: chr19-41111373-C-A.
Other names: c.706C>A, p.Gln236Lys (NM_001042544.1); c.595C>A, p.Gln199Lys (NM_003573.2); short protein forms Q199K, Q169K, Q236K.
Identifiers: ClinVar variation 2106303 (VCV002106303.4), dbSNP rs997869836, ClinGen allele CA405933200.